The following is an entry in ClinVar:

ClinVar aggregate classification (germline): Conflicting classifications of pathogenicity. Review status: criteria provided, conflicting classifications (1 of 4 stars). 3 submissions from 3 submitters: Likely pathogenic (2); Uncertain significance (1). Last evaluated 2022-04-15.

Conditions:
Landau-Kleffner syndrome (FESD). Also called: EPILEPSY, FOCAL, WITH SPEECH DISORDER AND WITH OR WITHOUT MENTAL RETARDATION; APHASIA, ACQUIRED, WITH EPILEPSY. Identifiers: Orphanet 1945, Orphanet 725, Orphanet 98818, MedGen C0282512, MONDO:0009509, OMIM 245570.

Submissions (3):

Labcorp Genetics (formerly Invitae), Labcorp
Classification: Uncertain significance for Landau-Kleffner syndrome. Last evaluated: 2022-04-15. Review status: criteria provided, single submitter. Criteria: Invitae Variant Classification Sherloc (09022015). Collection method: clinical testing. Allele origin: germline.
Comment: In summary, the available evidence is currently insufficient to determine the role of this variant in disease. Therefore, it has been classified as a Variant of Uncertain Significance. Advanced modeling of protein sequence and biophysical properties (such as structural, functional, and spatial information, amino acid conservation, physicochemical variation, residue mobility, and thermodynamic stability) performed at Invitae indicates that this missense variant is expected to disrupt GRIN2A protein function. ClinVar contains an entry for this variant (Variation ID: 372911). This missense change has been observed in individual(s) with clinical features of GRIN2A-related conditions (PMID: 30544257). This variant is not present in population databases (gnomAD no frequency). This sequence change replaces valine, which is neutral and non-polar, with glycine, which is neutral and non-polar, at codon 713 of the GRIN2A protein (p.Val713Gly).

Institute of Human Genetics, University of Leipzig Medical Center
Classification: Likely pathogenic for Landau-Kleffner syndrome. Last evaluated: 2019-01-01. Review status: criteria provided, single submitter. Criteria: ACMG Guidelines, 2015. Collection method: research. Allele origin: de novo. Affected: yes.

GeneDx
Classification: Likely pathogenic. Last evaluated: 2016-01-20. Review status: criteria provided, single submitter. Criteria: GeneDx Variant Classification (06012015). Collection method: clinical testing. Allele origin: germline. Affected: yes.
Comment: The V713G variant in the GRIN2A gene has not been reported previously as a pathogenic variant, noras a benign variant, to our knowledge. The V713G variant was not observed in approximately 6,500individuals of European and African American ancestry in the NHLBI Exome Sequencing Project,indicating it is not a common benign variant in these populations. The V713G variant is aconservative amino acid substitution, which is not likely to impact secondary protein structure asthese residues share similar properties. This substitution occurs at a position that is conserved acrossspecies. In silico analysis predicts this variant is probably damaging to the protein structure/function.Missense variants in nearby residues (E714K, A716T) have been reported in the Human GeneMutation Database in association with epilepsy (Stenson et al., 2014), supporting the functionalimportance of this region of the protein. The V713G variant is a strong candidate for a pathogenicvariant, however the possibility it may be a rare benign variant cannot be excluded.

Literature cited by the submitters: PubMed 30544257 (cited by Labcorp Genetics (formerly Invitae), Labcorp and Institute of Human Genetics, University of Leipzig Medical Center).

NM_001134407.3(GRIN2A):c.2138T>G (p.Val713Gly)

Gene: GRIN2A (glutamate ionotropic receptor NMDA type subunit 2A; minus strand). Cytogenetic location: 16p13.2.
Variant type: single nucleotide variant.
Coding change: c.2138T>G on transcript NM_001134407.3 (MANE Select); coding-DNA position 2138, T replaced by G.
Protein change: p.Val713Gly; replaces valine 713 with glycine.
Molecular consequence: missense variant.
Genome position (GRCh38, 1-based): chr16:9,822,294, A>C on the plus strand (T>G on the coding strand, the complement: GRIN2A is on the minus strand). VCF-style: chr16-9822294-A-C. GRCh37 (hg19) VCF-style: chr16-9916151-A-C.
Other names: c.2138T>G, p.Val713Gly (NM_000833.5, NM_001134408.2); short protein forms V713G.
Identifiers: ClinVar variation 372911 (VCV000372911.10), dbSNP rs1057518070, ClinGen allele CA16043098.